The following is an entry in ClinVar:

ClinVar aggregate classification (germline): Benign/Likely benign. Review status: criteria provided, multiple submitters, no conflicts (2 of 4 stars). 3 submissions from 3 submitters: Benign (1); Likely benign (2). Last evaluated 2026-01-02.

Conditions:
Ornithine carbamoyltransferase deficiency (OTCD). Also called: ORNITHINE TRANSCARBAMYLASE DEFICIENCY, HYPERAMMONEMIA DUE TO; OTC DEFICIENCY; ORNITHINE TRANSCARBAMYLASE DEFICIENCY; Ornithine Carbamoyltransferase Deficiency Disease. Identifiers: Orphanet 664, MedGen C0268542, MONDO:0010703, OMIM 311250.

Allele frequency attached by ClinVar (database versions not stated): gnomAD 0.00005 and 0.00006; gnomAD exomes 0.00003 and 0.00005; TOPMed 0.00005; ExAC 0.00006; ESP Exome Variant Server 0.00009.
gnomAD v4.1: 58 of 1,207,016 alleles (0.0048%); highest among the groups gnomAD compares: African/African-American, 0.011%; no homozygotes.

Submissions (3):

Labcorp Genetics (formerly Invitae), Labcorp
Classification: Benign for Ornithine carbamoyltransferase deficiency. Last evaluated: 2026-01-02. Review status: criteria provided, single submitter. Criteria: Invitae Variant Classification Sherloc (09022015). Collection method: clinical testing. Allele origin: germline.

Color Diagnostics, LLC DBA Color Health
Classification: Likely benign for Ornithine carbamoyltransferase deficiency. Last evaluated: 2022-04-21. Review status: criteria provided, single submitter. Criteria: ACMG Guidelines, 2015. Collection method: clinical testing. Allele origin: germline.

GeneDx
Classification: Likely benign. Last evaluated: 2017-04-14. Review status: criteria provided, single submitter. Criteria: GeneDx Variant Classification (06012015). Collection method: clinical testing. Allele origin: germline. Affected: yes.
Comment: This variant is considered likely benign or benign based on one or more of the following criteria: it is a conservative change, it occurs at a poorly conserved position in the protein, it is predicted to be benign by multiple in silico algorithms, and/or has population frequency not consistent with disease.

NM_000531.6(OTC):c.541-11G>A

Gene: OTC (ornithine transcarbamylase; plus strand). Cytogenetic location: Xp11.4.
Variant type: single nucleotide variant.
Coding change: c.541-11G>A on transcript NM_000531.6 (MANE Select); 11 bases into the intron before coding-DNA position 541, G replaced by A.
Molecular consequence: intron variant.
Genome position (GRCh38, 1-based): chrX:38,403,607, G>A. VCF-style: chrX-38403607-G-A. GRCh37 (hg19) VCF-style: chrX-38262860-G-A.
Identifiers: ClinVar variation 508012 (VCV000508012.5), dbSNP rs374923521, ClinGen allele CA10385892.